The following is an entry in ClinVar:

NM_002528.5:c.13C>T

Gene: NTHL1 (nth like DNA glycosylase 1; minus strand).
Variant type: single nucleotide variant.
Identifiers: ClinVar variation 4123331 (VCV004123331.1).

ClinVar aggregate classification (germline): Uncertain significance (1 of 4 stars; one submission).

Conditions:
Hereditary cancer-predisposing syndrome. Also called: Hereditary neoplastic syndrome; Neoplastic Syndromes, Hereditary; Tumor predisposition; Hereditary Cancer Syndrome. Identifiers: Orphanet 140162, MedGen C0027672, MeSH D009386, MONDO:0015356.

Submission:

Ambry Genetics
Classification: Uncertain significance for Hereditary cancer-predisposing syndrome. Last evaluated: 2025-09-08. Review status: criteria provided, single submitter. Criteria: Ambry Variant Classification Scheme 2023. Collection method: clinical testing. Allele origin: germline.
Comment: The p.Q5* variant (also known as c.13C>T), located in coding exon 1 of the NTHL1 gene, results from a C to T substitution at nucleotide position 13. This changes the amino acid from a glutamine to a stop codon within coding exon 1. The predicted stop codon occurs in the 5&rsquo; end of thegene. Premature termination codons in the 5&rsquo; end of a gene have been reported to escape nonsense-mediated mRNAdecay and/or lead to re-initiation (Rivas et al. Science. 2015 May 8;348(6235):666-9; Lindeboom et al. Nat Genet. 2016 Oct;48(10):1112-8; Rhee et al. Sci Rep. 2017 May 10;7(1):1653). The exact functional effect of this alteration is unknown. Since supporting evidence is limited at this time, the clinical significance of this alteration remains unclear.